The following is an entry in ClinVar:

ClinVar aggregate classification (germline): Uncertain significance (1 of 4 stars; one submission).

Submission:

Labcorp Genetics (formerly Invitae), Labcorp
Classification: Uncertain significance. Last evaluated: 2025-06-09. Review status: criteria provided, single submitter. Criteria: Invitae Variant Classification Sherloc (09022015). Collection method: clinical testing. Allele origin: germline.
Comment: This sequence change replaces leucine, which is neutral and non-polar, with phenylalanine, which is neutral and non-polar, at codon 350 of the STAT4 protein (p.Leu350Phe). This variant is not present in population databases (gnomAD no frequency). This variant has not been reported in the literature in individuals affected with STAT4-related conditions. ClinVar contains an entry for this variant (Variation ID: 3681752). An algorithm developed to predict the effect of missense changes on protein structure and function (PolyPhen-2) suggests that this variant is likely to be disruptive. In summary, the available evidence is currently insufficient to determine the role of this variant in disease. Therefore, it has been classified as a Variant of Uncertain Significance.

NM_003151.4(STAT4):c.1050G>T (p.Leu350Phe)

Gene: STAT4 (signal transducer and activator of transcription 4; minus strand). Cytogenetic location: 2q32.2.
Variant type: single nucleotide variant.
Coding change: c.1050G>T on transcript NM_003151.4 (MANE Select); coding-DNA position 1050, G replaced by T.
Protein change: p.Leu350Phe; replaces leucine 350 with phenylalanine.
Molecular consequence: missense variant.
Genome position (GRCh38, 1-based): chr2:191,058,754, C>A on the plus strand (G>T on the coding strand, the complement: STAT4 is on the minus strand). VCF-style: chr2-191058754-C-A. GRCh37 (hg19) VCF-style: chr2-191923480-C-A.
Other names: c.1050G>T, p.Leu350Phe (NM_001243835.2); short protein forms L350F.
Identifiers: ClinVar variation 3681752 (VCV003681752.2).